The following is an entry in ClinVar:

ClinVar aggregate classification (germline): Likely benign. Review status: criteria provided, single submitter (1 of 4 stars). 2 submissions from 2 submitters: Likely benign (1). 1 of the submissions does not count toward it. Last evaluated 2025-08-21.

Conditions:
HMGCS2-related disorder. Also called: HMGCS2-related condition.
3-hydroxy-3-methylglutaryl-CoA synthase deficiency (HMGCS2D). Also called: HMG-CoA synthase-2 deficiency; HMGCS2 DEFICIENCY; MITOCHONDRIAL HMG-CoA SYNTHASE DEFICIENCY. Identifiers: Orphanet 35701, MedGen C2751532, MONDO:0011614, OMIM 605911.

Allele frequency attached by ClinVar (database versions not stated): gnomAD 0.00001; gnomAD exomes 0.00001; TOPMed 0.00001.

Submissions (2):

Labcorp Genetics (formerly Invitae), Labcorp
Classification: Likely benign for 3-hydroxy-3-methylglutaryl-CoA synthase deficiency. Last evaluated: 2025-08-21. Review status: criteria provided, single submitter. Criteria: Invitae Variant Classification Sherloc (09022015). Collection method: clinical testing. Allele origin: germline.

PreventionGenetics, part of Exact Sciences
Classification: Likely benign for HMGCS2-related condition. Last evaluated: 2019-05-14. Review status: no assertion criteria provided. Collection method: clinical testing. Allele origin: germline. Not counted in ClinVar's aggregate classification.
Comment: This variant is classified as likely benign based on ACMG/AMP sequence variant interpretation guidelines (Richards et al. 2015 PMID: 25741868, with internal and published modifications).

NM_005518.4(HMGCS2):c.1398A>G (p.Gln466=)

Gene: HMGCS2 (3-hydroxy-3-methylglutaryl-CoA synthase 2; minus strand). Cytogenetic location: 1p12.
Variant type: single nucleotide variant.
Coding change: c.1398A>G on transcript NM_005518.4 (MANE Select); coding-DNA position 1398, A replaced by G.
Protein change: p.Gln466=; no amino-acid change (glutamine 466 retained).
Molecular consequence: synonymous variant.
Genome position (GRCh38, 1-based): chr1:119,752,571, T>C on the plus strand (A>G on the coding strand, the complement: HMGCS2 is on the minus strand). VCF-style: chr1-119752571-T-C. GRCh37 (hg19) VCF-style: chr1-120295194-T-C.
Other names: c.1272A>G, p.Gln424= (NM_001166107.1).
Identifiers: ClinVar variation 3041697 (VCV003041697.4), dbSNP rs1410813519, ClinGen allele CA420020631.